The following is an entry in ClinVar:

NM_019842.4(KCNQ5):c.2383C>T (p.Gln795Ter)

Gene: KCNQ5 (potassium voltage-gated channel subfamily Q member 5; plus strand). Cytogenetic location: 6q13.
Variant type: single nucleotide variant.
Coding change: c.2383C>T on transcript NM_019842.4 (MANE Select); coding-DNA position 2383, C replaced by T.
Protein change: p.Gln795Ter; replaces glutamine 795 with a stop codon.
Molecular consequence: nonsense.
Genome position (GRCh38, 1-based): chr6:73,194,998, C>T. VCF-style: chr6-73194998-C-T. GRCh37 (hg19) VCF-style: chr6-73904721-C-T.
Other names: c.2356C>T, p.Gln786Ter (NM_001160130.2); c.2413C>T, p.Gln805Ter (NM_001160132.2); c.2440C>T, p.Gln814Ter (NM_001160133.2); c.2053C>T, p.Gln685Ter (NM_001160134.2); short protein forms Q685*, Q786*, Q795*, Q805*, Q814*.
Identifiers: ClinVar variation 3048118 (VCV003048118.2), dbSNP rs2533931992, ClinGen allele CA364696158.
Genomic context (GRCh38, chr6:73,194,998, plus strand): 5'-GAAAGCATTTCTGACGTCACCACCTGCCTTGTTGCCTCCAAGGAAAATGTTCAGGTTGCA[C>T]AGTCAAATCTCACCAAGGACCGTTCTATGAGGAAAAGCTTTGACATGGGAGGAGAAACTC-3'

ClinVar aggregate classification (germline): Uncertain significance (0 of 4 stars; one submission).

Conditions:
KCNQ5-related disorder. Also called: KCNQ5-related condition.

Submission:

PreventionGenetics, part of Exact Sciences
Classification: Uncertain significance for KCNQ5-related condition. Last evaluated: 2024-01-30. Review status: no assertion criteria provided. Collection method: clinical testing. Allele origin: germline.
Comment: The KCNQ5 c.2440C>T variant is predicted to result in premature protein termination (p.Gln814*). To our knowledge, this variant has not been reported in the literature or in a large population database, indicating this variant is rare. Although we suspect that this variant may be pathogenic, at this time, the clinical significance of this variant is uncertain due to the absence of conclusive functional and genetic evidence.